The following is an entry in ClinVar:

NM_033026.6(PCLO):c.9289A>G (p.Thr3097Ala)

Gene: PCLO (piccolo presynaptic cytomatrix protein; minus strand). Cytogenetic location: 7q21.11.
Variant type: single nucleotide variant.
Coding change: c.9289A>G on transcript NM_033026.6 (MANE Select); coding-DNA position 9289, A replaced by G.
Protein change: p.Thr3097Ala; replaces threonine 3097 with alanine.
Molecular consequence: missense variant.
Genome position (GRCh38, 1-based): chr7:82,951,299, T>C on the plus strand (A>G on the coding strand, the complement: PCLO is on the minus strand). VCF-style: chr7-82951299-T-C. GRCh37 (hg19) VCF-style: chr7-82580615-T-C.
Other names: c.9289A>G, p.Thr3097Ala (NM_014510.3); short protein forms T3097A.
Identifiers: ClinVar variation 1482471 (VCV001482471.6), dbSNP rs1388831003, ClinGen allele CA367908814.

ClinVar aggregate classification (germline): Uncertain significance (1 of 4 stars; one submission).

Allele frequency attached by ClinVar (database versions not stated): gnomAD exomes 0.00001 and 0.00002.
gnomAD v4.1: 11 of 1,613,096 alleles (0.00068%); highest among the groups gnomAD compares: Non-Finnish European, 0.00093%; no homozygotes.

Submission:

Labcorp Genetics (formerly Invitae), Labcorp
Classification: Uncertain significance. Last evaluated: 2021-11-23. Review status: criteria provided, single submitter. Criteria: Invitae Variant Classification Sherloc (09022015). Collection method: clinical testing. Allele origin: germline.
Comment: In summary, the available evidence is currently insufficient to determine the role of this variant in disease. Therefore, it has been classified as a Variant of Uncertain Significance. This sequence change replaces threonine, which is neutral and polar, with alanine, which is neutral and non-polar, at codon 3097 of the PCLO protein (p.Thr3097Ala). This variant is present in population databases (no rsID available, gnomAD 0.002%). This variant has not been reported in the literature in individuals affected with PCLO-related conditions. Algorithms developed to predict the effect of missense changes on protein structure and function are either unavailable or do not agree on the potential impact of this missense change (SIFT: "Deleterious"; PolyPhen-2: "Not Available"; Align-GVGD: "Class C0").